The following is an entry in ClinVar:

NM_031407.7(HUWE1):c.5095G>A (p.Glu1699Lys)

Gene: HUWE1 (HECT, UBA and WWE domain containing E3 ubiquitin protein ligase 1; minus strand). Cytogenetic location: Xp11.22.
Variant type: single nucleotide variant.
Coding change: c.5095G>A on transcript NM_031407.7 (MANE Select); coding-DNA position 5095, G replaced by A.
Protein change: p.Glu1699Lys; replaces glutamic acid 1699 with lysine.
Molecular consequence: missense variant.
Genome position (GRCh38, 1-based): chrX:53,584,252, C>T on the plus strand (G>A on the coding strand, the complement: HUWE1 is on the minus strand). VCF-style: chrX-53584252-C-T. GRCh37 (hg19) VCF-style: chrX-53611212-C-T.
Other names: short protein forms E1699K.
Identifiers: ClinVar variation 3376028 (VCV003376028.1).

ClinVar aggregate classification (germline): Uncertain significance (1 of 4 stars; one submission).

Submission:

GeneDx
Classification: Uncertain significance. Last evaluated: 2024-05-02. Review status: criteria provided, single submitter. Criteria: GeneDx Variant Classification Process June 2021. Collection method: clinical testing. Allele origin: germline. Affected: yes.
Comment: Has not been previously published as pathogenic or benign to our knowledge; Not observed at significant frequency in large population cohorts (gnomAD); In silico analysis indicates that this missense variant does not alter protein structure/function